The following is an entry in ClinVar:

NM_001374736.1(DST):c.13014C>G (p.Ile4338Met)

Gene: DST (dystonin; minus strand). Cytogenetic location: 6p12.1.
Variant type: single nucleotide variant.
Coding change: c.13014C>G on transcript NM_001374736.1 (MANE Select); coding-DNA position 13014, C replaced by G.
Protein change: p.Ile4338Met; replaces isoleucine 4338 with methionine.
Molecular consequence: missense variant.
Genome position (GRCh38, 1-based): chr6:56,578,827, G>C on the plus strand (C>G on the coding strand, the complement: DST is on the minus strand). VCF-style: chr6-56578827-G-C. GRCh37 (hg19) VCF-style: chr6-56443625-G-C.
Other names: c.6123C>G, p.Ile2041Met (NM_001386100.1, NM_183380.4, NM_001374730.1); c.5145C>G, p.Ile1715Met (NM_015548.5); c.6657C>G, p.Ile2219Met (NM_001144769.5); c.6243C>G, p.Ile2081Met (NM_001144770.2); c.13014C>G, p.Ile4338Met (NM_001374722.1); c.12381C>G, p.Ile4127Met (NM_001374729.1); c.13041C>G, p.Ile4347Met (NM_001374734.1); short protein forms I1715M, I2041M, I2081M, I2219M, I4127M, I4338M, I4347M.
Identifiers: ClinVar variation 3257406 (VCV003257406.17).

ClinVar aggregate classification (germline): Uncertain significance (1 of 4 stars; one submission).

Submission:

CeGaT Center for Human Genetics Tuebingen
Classification: Uncertain significance. Last evaluated: 2024-07-01. Review status: criteria provided, single submitter. Criteria: CeGaT Center For Human Genetics Tuebingen Variant Classification Criteria Version 2. Collection method: clinical testing. Allele origin: germline. Affected: yes. Observed: 1 variant allele.
Comment: DST: PM2, BP1